The following is an entry in ClinVar:

ClinVar aggregate classification (germline): Likely pathogenic. Review status: criteria provided, multiple submitters, no conflicts (2 of 4 stars). 2 submissions from 2 submitters: Likely pathogenic (2). Last evaluated 2025-09-08.

Conditions:
Deficiency of steroid 17-alpha-monooxygenase. Also called: 17-ALPHA-HYDROXYLASE DEFICIENCY; 17-alpha-hydroxylase/17,20-lyase deficiency; Congenital adrenal hyperplasia due to 17-alpha-hydroxylase deficiency; Congenital adrenal hyperplasia type 5; ADRENAL HYPERPLASIA V. Identifiers: Orphanet 90793, MedGen C0268285, MONDO:0008730, OMIM 202110.

Allele frequency attached by ClinVar (database versions not stated): gnomAD 0.00001; gnomAD exomes 0.00001; TOPMed 0.00001; ExAC 0.00002; 1000 Genomes Project 0.00020; 1000 Genomes Project 30x 0.00031.

Submissions (2):

Natera, Inc.
Classification: Likely pathogenic for Deficiency of steroid 17-alpha-monooxygenase. Last evaluated: 2025-09-08. Review status: criteria provided, single submitter. Criteria: Natera Variant Classification Schema (03/2026). Collection method: clinical testing. Allele origin: germline.
Comment: The c.887T>C variant in CYP17A1 is a missense variant predicted to cause substitution of isoleucine to threonine at amino acid 296. This variant is rare in the general population with a frequency below the threshold expected for the associated phenotype(s). This variant has been observed in one or more individuals affected with the associated recessive disease, as either homozygous or compound heterozygous with a second variant (PMID: 34097983). Given the available evidence, this variant is classified as Likely Pathogenic.

Labcorp Genetics (formerly Invitae), Labcorp
Classification: Likely pathogenic. Last evaluated: 2023-10-23. Review status: criteria provided, single submitter. Criteria: Invitae Variant Classification Sherloc (09022015). Collection method: clinical testing. Allele origin: germline.
Comment: This sequence change replaces isoleucine, which is neutral and non-polar, with threonine, which is neutral and polar, at codon 296 of the CYP17A1 protein (p.Ile296Thr). This variant is present in population databases (rs531000872, gnomAD 0.007%). This missense change has been observed in individual(s) with clinical features of CYP17A1-related conditions (PMID: 32561571, 34097983). In at least one individual the data is consistent with being in trans (on the opposite chromosome) from a pathogenic variant. An algorithm developed to predict the effect of missense changes on protein structure and function (PolyPhen-2) suggests that this variant is likely to be disruptive. In summary, the currently available evidence indicates that the variant is pathogenic, but additional data are needed to prove that conclusively. Therefore, this variant has been classified as Likely Pathogenic.

Literature cited by the submitters: PubMed 34097983 (cited by Natera, Inc. and Labcorp Genetics (formerly Invitae), Labcorp); PubMed 32561571 (cited by Labcorp Genetics (formerly Invitae), Labcorp).

NM_000102.4(CYP17A1):c.887T>C (p.Ile296Thr)

Genes: CYP17A1 (cytochrome P450 family 17 subfamily A member 1; minus strand), CYP17A1-AS1 (CYP17A1 antisense RNA 1; plus strand). Cytogenetic location: 10q24.32.
Variant type: single nucleotide variant.
Coding change: c.887T>C on transcript NM_000102.4 (MANE Select); coding-DNA position 887, T replaced by C.
Protein change: p.Ile296Thr; replaces isoleucine 296 with threonine.
Molecular consequence: missense variant.
Genome position (GRCh38, 1-based): chr10:102,833,075, A>G on the plus strand (T>C on the coding strand, the complement: CYP17A1 is on the minus strand). VCF-style: chr10-102833075-A-G. GRCh37 (hg19) VCF-style: chr10-104592832-A-G.
Other names: c.887T>C (NM_000102.3); short protein forms I296T.
Identifiers: ClinVar variation 2681103 (VCV002681103.7), dbSNP rs531000872, ClinGen allele CA5669453.